The following is an entry in ClinVar:

NM_001267550.2(TTN):c.105322G>A (p.Ala35108Thr)

Genes: TTN (titin; minus strand), TTN-AS1 (TTN antisense RNA 1; plus strand). Cytogenetic location: 2q31.2.
Variant type: single nucleotide variant.
Coding change: c.105322G>A on transcript NM_001267550.2 (MANE Select); coding-DNA position 105322, G replaced by A.
Protein change: p.Ala35108Thr; replaces alanine 35108 with threonine.
Molecular consequence: missense variant.
Genome position (GRCh38, 1-based): chr2:178,531,293, C>T on the plus strand (G>A on the coding strand, the complement: TTN is on the minus strand). VCF-style: chr2-178531293-C-T. GRCh37 (hg19) VCF-style: chr2-179396020-C-T.
Other names: c.100399G>A, p.Ala33467Thr (NM_001256850.1); c.78127G>A, p.Ala26043Thr (NM_003319.4); c.97618G>A, p.Ala32540Thr (NM_133378.4); c.78502G>A, p.Ala26168Thr (NM_133432.3); c.78703G>A, p.Ala26235Thr (NM_133437.4); short protein forms A26043T, A26168T, A26235T, A32540T, A33467T, A35108T.
Identifiers: ClinVar variation 1001940 (VCV001001940.7), dbSNP rs1689011295, ClinGen allele CA349409012.
Genomic context (GRCh38, chr2:178,531,293, plus strand): 5'-CCAAAGTCGTCTTGATCTTTCTGGTTGTGGATTTTTCTTCCAGTGACTTTTCTTCTAATG[C>T]AGCACTTTTCATTTCTGCAGATGCAGAGTGTTCATATGAGGAGAGACTTTCCCTTGTCTC-3'
Protein context (NP_001254479.2, residues 35098-35118): HSASAEMKSA[Ala35108Thr]LEEKSLEEKS

ClinVar aggregate classification (germline): Uncertain significance (1 of 4 stars; one submission).

Conditions:
Dilated cardiomyopathy 1G (CMD1G). Identifiers: Orphanet 154, MedGen C1858763, MONDO:0011400, OMIM 604145.
Autosomal recessive limb-girdle muscular dystrophy type 2J (LGMDR10). Also called: Limb-girdle muscular dystrophy, type 2J; MUSCULAR DYSTROPHY, LIMB-GIRDLE, AUTOSOMAL RECESSIVE 10. Identifiers: Orphanet 140922, MedGen C1837342, MONDO:0012127, OMIM 608807.

Submission:

Labcorp Genetics (formerly Invitae), Labcorp
Classification: Uncertain significance for Dilated cardiomyopathy 1G; Autosomal recessive limb-girdle muscular dystrophy type 2J. Last evaluated: 2020-08-03. Review status: criteria provided, single submitter. Criteria: Invitae Variant Classification Sherloc (09022015). Collection method: clinical testing. Allele origin: germline.
Comment: The threonine amino acid residue is found in multiple mammalian species, suggesting that this missense change does not adversely affect protein function. These predictions have not been confirmed by published functional studies and their clinical significance is uncertain. This sequence change replaces alanine with threonine at codon 35108 of the TTN protein (p.Ala35108Thr). There is a small physicochemical difference between alanine and threonine. This variant is not present in population databases (ExAC no frequency). This variant has not been reported in the literature in individuals with TTN-related conditions. In summary, the available evidence is currently insufficient to determine the role of this variant in disease. Therefore, it has been classified as a Variant of Uncertain Significance. This variant is located in the M band of TTN (PMID: 25589632). Variants in this region may be relevant for neuromuscular disorders, but have not been definitively shown to cause cardiomyopathy (PMID: 23975875). Algorithms developed to predict the effect of missense changes on protein structure and function are unavailable for the TTN gene.

Literature cited by the submitters: PubMed 25589632; PubMed 23975875.